The following is an entry in ClinVar:

NM_017827.4(SARS2):c.1429G>T (p.Val477Leu)

Gene: SARS2 (seryl-tRNA synthetase 2, mitochondrial; minus strand). Cytogenetic location: 19q13.2.
Variant type: single nucleotide variant.
Coding change: c.1429G>T on transcript NM_017827.4 (MANE Select); coding-DNA position 1429, G replaced by T.
Protein change: p.Val477Leu; replaces valine 477 with leucine.
Molecular consequence: missense variant.
Genome position (GRCh38, 1-based): chr19:38,915,734, C>A on the plus strand (G>T on the coding strand, the complement: SARS2 is on the minus strand). VCF-style: chr19-38915734-C-A. GRCh37 (hg19) VCF-style: chr19-39406374-C-A.
Other names: c.1435G>T, p.Val479Leu (NM_001145901.2); short protein forms V477L, V479L.
Identifiers: ClinVar variation 1998484 (VCV001998484.4), dbSNP rs751186641, ClinGen allele CA405735402.

ClinVar aggregate classification (germline): Uncertain significance (1 of 4 stars; one submission).

Submission:

Labcorp Genetics (formerly Invitae), Labcorp
Classification: Uncertain significance. Last evaluated: 2022-05-30. Review status: criteria provided, single submitter. Criteria: Invitae Variant Classification Sherloc (09022015). Collection method: clinical testing. Allele origin: germline.
Comment: This sequence change replaces valine, which is neutral and non-polar, with leucine, which is neutral and non-polar, at codon 477 of the SARS2 protein (p.Val477Leu). This variant is not present in population databases (gnomAD no frequency). This variant has not been reported in the literature in individuals affected with SARS2-related conditions. Algorithms developed to predict the effect of missense changes on protein structure and function (SIFT, PolyPhen-2, Align-GVGD) all suggest that this variant is likely to be tolerated. Algorithms developed to predict the effect of sequence changes on RNA splicing suggest that this variant may create or strengthen a splice site. In summary, the available evidence is currently insufficient to determine the role of this variant in disease. Therefore, it has been classified as a Variant of Uncertain Significance.